The following is an entry in ClinVar:

NM_014283.5(SUCO):c.863C>T (p.Ser288Leu)

Gene: SUCO (SUN domain containing ossification factor; plus strand). Cytogenetic location: 1q24.3.
Variant type: single nucleotide variant.
Coding change: c.863C>T on transcript NM_014283.5 (MANE Select); coding-DNA position 863, C replaced by T.
Protein change: p.Ser288Leu; replaces serine 288 with leucine.
Molecular consequence: missense variant. On other transcripts: 5 prime UTR variant (1).
Genome position (GRCh38, 1-based): chr1:172,570,053, C>T. VCF-style: chr1-172570053-C-T. GRCh37 (hg19) VCF-style: chr1-172539193-C-T.
Other names: c.863C>T (NM_014283.3); c.752C>T, p.Ser251Leu (NM_001282750.2); c.-667C>T (NM_001282751.2); c.1337C>T, p.Ser446Leu (NM_016227.4); short protein forms S251L, S288L, S446L.
Identifiers: ClinVar variation 4808749 (VCV004808749.2).

ClinVar aggregate classification (germline): Uncertain significance. Review status: criteria provided, multiple submitters, no conflicts (2 of 4 stars). 2 submissions from 2 submitters: Uncertain significance (2). Last evaluated 2025-12-16.

gnomAD v4.1: 25 of 1,527,262 alleles (0.0016%); highest among the groups gnomAD compares: South Asian, 0.025%; 1 homozygote.

Submissions (2):

Ambry Genetics
Classification: Uncertain significance. Last evaluated: 2025-12-16. Review status: criteria provided, single submitter. Criteria: Ambry Variant Classification Scheme 2023. Collection method: clinical testing. Allele origin: germline.

Labcorp Genetics (formerly Invitae), Labcorp
Classification: Uncertain significance. Last evaluated: 2025-07-14. Review status: criteria provided, single submitter. Criteria: Invitae Variant Classification Sherloc (09022015). Collection method: clinical testing. Allele origin: germline.
Comment: This sequence change replaces serine, which is neutral and polar, with leucine, which is neutral and non-polar, at codon 288 of the SUCO protein (p.Ser288Leu). This variant is present in population databases (rs534863341, gnomAD 0.01%). This variant has not been reported in the literature in individuals affected with SUCO-related conditions. An algorithm developed to predict the effect of missense changes on protein structure and function (PolyPhen-2) suggests that this variant is likely to be disruptive. In summary, the available evidence is currently insufficient to determine the role of this variant in disease. Therefore, it has been classified as a Variant of Uncertain Significance.